The following is an entry in ClinVar:

ClinVar aggregate classification (germline): Uncertain significance. Review status: criteria provided, single submitter (1 of 4 stars). 2 submissions from 2 submitters: Uncertain significance (1). 1 of the submissions does not count toward it. Last evaluated 2022-05-18.

Conditions:
VPS13A-related neurodegenerative disease. Also called: ACANTHOCYTOSIS WITH NEUROLOGIC DISORDER; LEVINE-CRITCHLEY SYNDROME; VPS13A Disease; Choreoacanthocytosis; Chorea-acanthocytosis; Choreaacanthocytosis. Identifiers: Orphanet 2388, MedGen C0393576, MONDO:0008695, OMIM 200150.

Submissions (2):

Labcorp Genetics (formerly Invitae), Labcorp
Classification: Uncertain significance. Last evaluated: 2022-05-18. Review status: criteria provided, single submitter. Criteria: Invitae Variant Classification Sherloc (09022015). Collection method: clinical testing. Allele origin: germline.
Comment: This sequence change replaces tyrosine, which is neutral and polar, with cysteine, which is neutral and slightly polar, at codon 2103 of the VPS13A protein (p.Tyr2103Cys). This variant is not present in population databases (gnomAD no frequency). This variant has not been reported in the literature in individuals affected with VPS13A-related conditions. Algorithms developed to predict the effect of missense changes on protein structure and function are either unavailable or do not agree on the potential impact of this missense change (SIFT: "Deleterious"; PolyPhen-2: "Benign"; Align-GVGD: "Class C0"). In summary, the available evidence is currently insufficient to determine the role of this variant in disease. Therefore, it has been classified as a Variant of Uncertain Significance.

Natera, Inc.
Classification: Uncertain significance for Choreaacanthocytosis. Last evaluated: 2025-02-09. Review status: no assertion criteria provided. Collection method: clinical testing. Allele origin: germline. Not counted in ClinVar's aggregate classification.

NM_033305.3(VPS13A):c.6308A>G (p.Tyr2103Cys)

Gene: VPS13A (vacuolar protein sorting 13 homolog A; plus strand). Cytogenetic location: 9q21.2.
Variant type: single nucleotide variant.
Coding change: c.6308A>G on transcript NM_033305.3 (MANE Select); coding-DNA position 6308, A replaced by G.
Protein change: p.Tyr2103Cys; replaces tyrosine 2103 with cysteine.
Molecular consequence: missense variant.
Genome position (GRCh38, 1-based): chr9:77,337,467, A>G. VCF-style: chr9-77337467-A-G. GRCh37 (hg19) VCF-style: chr9-79952383-A-G.
Other names: c.6308A>G (NM_033305.2); c.6191A>G, p.Tyr2064Cys (NM_001018037.2); c.6308A>G, p.Tyr2103Cys (NM_001018038.3, NM_015186.4); short protein forms Y2064C, Y2103C.
Identifiers: ClinVar variation 2185809 (VCV002185809.2), dbSNP rs1408069032, ClinGen allele CA373848608.